The following is an entry in ClinVar:

ClinVar aggregate classification (germline): Pathogenic (1 of 4 stars; one submission).

Conditions:
Complement component 3 deficiency. Identifiers: Orphanet 280133, MedGen C3151071, MONDO:0013417, OMIM 613779.

Submission:

Genomenon, Inc
Classification: Pathogenic for Complement component 3 deficiency. Last evaluated: 2025-09-30. Review status: criteria provided, single submitter. Criteria: Genomenon Sequence Variant Interpretation Standards. Collection method: curation. Allele origin: germline. Affected: yes.
Comment: C3 p.Gln1420Ter (c.4258C>T) is a nonsense variant that introduces a premature stop codon at amino acid position 1420, creating a truncated protein that is predicted to undergo nonsense-mediated mRNA decay. This variant has been observed in at least one proband affected with C3 deficiency (PMID:36299691). It is absent or not present at a significant frequency in gnomAD. In conclusion, we classify C3 p.Gln1420Ter (c.4258C>T) as a pathogenic variant.

Literature cited by the submitters: PubMed 36299691.

NM_000064.4(C3):c.4258C>T (p.Gln1420Ter)

Gene: C3 (complement C3; minus strand). Cytogenetic location: 19p13.3.
Variant type: single nucleotide variant.
Coding change: c.4258C>T on transcript NM_000064.4 (MANE Select); coding-DNA position 4258, C replaced by T.
Protein change: p.Gln1420Ter; replaces glutamine 1420 with a stop codon.
Molecular consequence: nonsense.
Genome position (GRCh38, 1-based): chr19:6,682,144, G>A on the plus strand (C>T on the coding strand, the complement: C3 is on the minus strand). VCF-style: chr19-6682144-G-A. GRCh37 (hg19) VCF-style: chr19-6682155-G-A.
Other names: short protein forms Q1420*.
Identifiers: ClinVar variation 4280246 (VCV004280246.1).
Genomic context (GRCh38, chr19:6,682,144, plus strand): 5'-AGCCTCTTCCAGAACCCAGGCTCCTTTCCACTTATCCCAGCTCCTGAGCCCTTCATACCT[G>A]CTTCAGGTCATCTGTGTCTGGAGCAAAGCCAGTCATCATGGATATGTCCAATATAGACAT-3'